The following is an entry in ClinVar:

ClinVar aggregate classification (germline): Likely benign (1 of 4 stars; one submission).

Conditions:
EYA1-related disorder. Also called: EYA1-related condition.

gnomAD v4.1: 96 of 1,613,320 alleles (0.006%); highest among the groups gnomAD compares: Non-Finnish European, 0.008%; no homozygotes.

Submission:

PreventionGenetics, part of Exact Sciences
Classification: Likely benign for EYA1-related condition. Last evaluated: 2025-09-21. Review status: criteria provided, single submitter. Criteria: ACMG Guidelines, 2015. Collection method: clinical testing. Allele origin: germline.
Comment: This variant is classified as likely benign based on ACMG/AMP sequence variant interpretation guidelines (Richards et al. 2015 PMID: 25741868, with internal and published modifications).

NM_000503.6(EYA1):c.1515C>T (p.Leu505=)

Gene: EYA1 (EYA transcriptional coactivator and phosphatase 1; minus strand). Cytogenetic location: 8q13.3.
Variant type: single nucleotide variant.
Coding change: c.1515C>T on transcript NM_000503.6 (MANE Select); coding-DNA position 1515, C replaced by T.
Protein change: p.Leu505=; no amino-acid change (leucine 505 retained).
Molecular consequence: synonymous variant.
Genome position (GRCh38, 1-based): chr8:71,215,469, G>A on the plus strand (C>T on the coding strand, the complement: EYA1 is on the minus strand). VCF-style: chr8-71215469-G-A. GRCh37 (hg19) VCF-style: chr8-72127704-G-A.
Other names: c.1497C>T, p.Leu499= (NM_001288574.2, NM_172059.5); c.1149C>T, p.Leu383= (NM_001288575.2); c.1602C>T, p.Leu534= (NM_001370333.1); c.1515C>T, p.Leu505= (NM_001370334.1, NM_001370335.1, NM_172058.4); c.1494C>T, p.Leu498= (NM_001370336.1); c.1416C>T, p.Leu472= (NM_001411797.1, NM_172060.4).
Identifiers: ClinVar variation 4988906 (VCV004988906.1).
Genomic context (GRCh38, chr8:71,215,469, plus strand): 5'-ATTTTCTATTGGAAATACAATTCCTAACCCATACAGCAGGACTTTCGCCAATGCTGGGAT[G>A]AGCTGAGTAGTTGTTACTAAAATATTCACACAGTTTGTCCTATGAGAACAAAAAGAAAAC-3'
Protein context (NP_000494.2, residues 495-515): CVNILVTTTQ[Leu505=]IPALAKVLLY